The following is an entry in ClinVar:

NM_001297.5(CNGB1):c.3008A>G (p.Gln1003Arg)

Gene: CNGB1 (cyclic nucleotide gated channel subunit beta 1; minus strand). Cytogenetic location: 16q21.
Variant type: single nucleotide variant.
Coding change: c.3008A>G on transcript NM_001297.5 (MANE Select); coding-DNA position 3008, A replaced by G.
Protein change: p.Gln1003Arg; replaces glutamine 1003 with arginine.
Molecular consequence: missense variant.
Genome position (GRCh38, 1-based): chr16:57,897,883, T>C on the plus strand (A>G on the coding strand, the complement: CNGB1 is on the minus strand). VCF-style: chr16-57897883-T-C. GRCh37 (hg19) VCF-style: chr16-57931787-T-C.
Other names: c.3008A>G (NM_001297.4); c.2990A>G, p.Gln997Arg (NM_001286130.2); short protein forms Q1003R, Q997R.
Identifiers: ClinVar variation 1390141 (VCV001390141.7), dbSNP rs758652454, ClinGen allele CA8082716.

ClinVar aggregate classification (germline): Uncertain significance. Review status: criteria provided, multiple submitters, no conflicts (2 of 4 stars). 2 submissions from 2 submitters: Uncertain significance (2). Last evaluated 2024-08-19.

Conditions:
Inborn genetic diseases. Identifiers: MedGen C0950123, MeSH D030342.

Allele frequency attached by ClinVar (database versions not stated): gnomAD exomes below 0.00001 and 0.00001; gnomAD 0.00001; TOPMed 0.00001; ExAC 0.00002.
gnomAD v4.1: 3 of 1,614,096 alleles (0.00019%); highest among the groups gnomAD compares: Admixed American, 0.0017%; no homozygotes.

Submissions (2):

Ambry Genetics
Classification: Uncertain significance for Inborn genetic diseases. Last evaluated: 2024-08-19. Review status: criteria provided, single submitter. Criteria: Ambry Variant Classification Scheme 2023. Collection method: clinical testing. Allele origin: germline.

Labcorp Genetics (formerly Invitae), Labcorp
Classification: Uncertain significance. Last evaluated: 2021-11-06. Review status: criteria provided, single submitter. Criteria: Invitae Variant Classification Sherloc (09022015). Collection method: clinical testing. Allele origin: germline.
Comment: This sequence change replaces glutamine, which is neutral and polar, with arginine, which is basic and polar, at codon 1003 of the CNGB1 protein (p.Gln1003Arg). This variant is present in population databases (rs758652454, gnomAD 0.003%). This variant has not been reported in the literature in individuals affected with CNGB1-related conditions. Advanced modeling of protein sequence and biophysical properties (such as structural, functional, and spatial information, amino acid conservation, physicochemical variation, residue mobility, and thermodynamic stability) performed at Invitae indicates that this missense variant is not expected to disrupt CNGB1 protein function. In summary, the available evidence is currently insufficient to determine the role of this variant in disease. Therefore, it has been classified as a Variant of Uncertain Significance.